The following is an entry in ClinVar:

NM_001367624.2(ZNF469):c.5384C>G (p.Ala1795Gly)

Gene: ZNF469 (zinc finger protein 469; plus strand). Cytogenetic location: 16q24.2.
Variant type: single nucleotide variant.
Coding change: c.5384C>G on transcript NM_001367624.2 (MANE Select); coding-DNA position 5384, C replaced by G.
Protein change: p.Ala1795Gly; replaces alanine 1795 with glycine.
Molecular consequence: missense variant.
Genome position (GRCh38, 1-based): chr16:88,432,854, C>G. VCF-style: chr16-88432854-C-G. GRCh37 (hg19) VCF-style: chr16-88499262-C-G.
Other names: NM_001127464.1:c.5300C>G; short protein forms A1795G.
Identifiers: ClinVar variation 1395856 (VCV001395856.8), dbSNP rs1013562167, ClinGen allele CA286377444.

ClinVar aggregate classification (germline): Uncertain significance. Review status: criteria provided, multiple submitters, no conflicts (2 of 4 stars). 2 submissions from 2 submitters: Uncertain significance (2). Last evaluated 2022-08-15.

Conditions:
Cardiovascular phenotype. Identifiers: MedGen CN230736.

gnomAD v4.1: 7 of 1,550,124 alleles (0.00045%); highest among the groups gnomAD compares: Non-Finnish European, 0.00061%; no homozygotes.

Submissions (2):

Labcorp Genetics (formerly Invitae), Labcorp
Classification: Uncertain significance. Last evaluated: 2022-08-15. Review status: criteria provided, single submitter. Criteria: Invitae Variant Classification Sherloc (09022015). Collection method: clinical testing. Allele origin: germline.
Comment: This sequence change replaces alanine, which is neutral and non-polar, with glycine, which is neutral and non-polar, at codon 1767 of the ZNF469 protein (p.Ala1767Gly). In summary, the available evidence is currently insufficient to determine the role of this variant in disease. Therefore, it has been classified as a Variant of Uncertain Significance. Algorithms developed to predict the effect of sequence changes on RNA splicing suggest that this variant may create or strengthen a splice site. Algorithms developed to predict the effect of missense changes on protein structure and function output the following: SIFT: "Tolerated"; PolyPhen-2: "Benign"; Align-GVGD: "Class C0". The glycine amino acid residue is found in multiple mammalian species, which suggests that this missense change does not adversely affect protein function. ClinVar contains an entry for this variant (Variation ID: 1395856). This variant has not been reported in the literature in individuals affected with ZNF469-related conditions. This variant is not present in population databases (gnomAD no frequency).

Ambry Genetics
Classification: Uncertain significance for Cardiovascular phenotype. Last evaluated: 2019-03-23. Review status: criteria provided, single submitter. Criteria: Ambry Variant Classification Scheme 2023. Collection method: clinical testing. Allele origin: germline.
Comment: The p.A1767G variant (also known as c.5300C>G), located in coding exon 2 of the ZNF469 gene, results from a C to G substitution at nucleotide position 5300. The alanine at codon 1767 is replaced by glycine, an amino acid with similar properties. This amino acid position is poorly conserved in available vertebrate species. In addition, this alteration is predicted to be tolerated by in silico analysis. Since supporting evidence is limited at this time, the clinical significance of this alteration remains unclear.